The following is an entry in ClinVar:

ClinVar aggregate classification (germline): Uncertain significance (1 of 4 stars; one submission).

Conditions:
Familial thoracic aortic aneurysm and aortic dissection (TAAD). Also called: Thoracic aortic aneurysms and dissections. Identifiers: Orphanet 91387, MedGen C4707243, MONDO:0019625.

Submission:

Ambry Genetics
Classification: Uncertain significance for Familial thoracic aortic aneurysm and aortic dissection. Last evaluated: 2024-10-08. Review status: criteria provided, single submitter. Criteria: Ambry Variant Classification Scheme 2023. Collection method: clinical testing. Allele origin: germline.
Comment: The p.A824P variant (also known as c.2470G>C), located in coding exon 19 of the MYH11 gene, results from a G to C substitution at nucleotide position 2470. The alanine at codon 824 is replaced by proline, an amino acid with highly similar properties. This amino acid position is conserved. In addition, this alteration is predicted to be deleterious by in silico analysis. Based on the available evidence, the clinical significance of this variant remains unclear.

NM_002474.3(MYH11):c.2470G>C (p.Ala824Pro)

Gene: MYH11 (myosin heavy chain 11; minus strand). Cytogenetic location: 16p13.11.
Variant type: single nucleotide variant.
Coding change: c.2470G>C on transcript NM_002474.3 (MANE Select); coding-DNA position 2470, G replaced by C.
Protein change: p.Ala824Pro; replaces alanine 824 with proline.
Molecular consequence: missense variant.
Genome position (GRCh38, 1-based): chr16:15,745,179, C>G on the plus strand (G>C on the coding strand, the complement: MYH11 is on the minus strand). VCF-style: chr16-15745179-C-G. GRCh37 (hg19) VCF-style: chr16-15839036-C-G.
Other names: c.2491G>C, p.Ala831Pro (NM_001040113.2, NM_001040114.2); c.2470G>C, p.Ala824Pro (NM_022844.3); short protein forms A831P, A824P.
Identifiers: ClinVar variation 3400638 (VCV003400638.1).